The following is an entry in ClinVar:

NM_000257.4(MYH7):c.2714G>T (p.Cys905Phe)

Gene: MYH7 (myosin heavy chain 7; minus strand). Cytogenetic location: 14q11.2.
Variant type: single nucleotide variant.
Coding change: c.2714G>T on transcript NM_000257.4 (MANE Select); coding-DNA position 2714, G replaced by T.
Protein change: p.Cys905Phe; replaces cysteine 905 with phenylalanine.
Molecular consequence: missense variant.
Genome position (GRCh38, 1-based): chr14:23,424,115, C>A on the plus strand (G>T on the coding strand, the complement: MYH7 is on the minus strand). VCF-style: chr14-23424115-C-A. GRCh37 (hg19) VCF-style: chr14-23893324-C-A.
Other names: short protein forms C905F.
Identifiers: ClinVar variation 1397360 (VCV001397360.9), dbSNP rs730880757, ClinGen allele CA389047297.

ClinVar aggregate classification (germline): Conflicting classifications of pathogenicity. Review status: criteria provided, conflicting classifications (1 of 4 stars). 2 submissions from 2 submitters: Likely pathogenic (1); Uncertain significance (1). Last evaluated 2024-11-30.

Conditions:
Cardiomyopathy (CMYO). Also called: Cardiomyopathies. Identifiers: Orphanet 167848, MedGen C0878544, MONDO:0004994, HP:0001638. Inheritance: Various modes of inheritance.
Hypertrophic cardiomyopathy. Also called: HYPERTROPHIC MYOCARDIOPATHY. Identifiers: Orphanet 217569, MedGen C0007194, MeSH D002312, MONDO:0005045, HP:0001639.

Allele frequency attached by ClinVar (database versions not stated): gnomAD exomes below 0.00001.
gnomAD v4.1: 1 of 1,614,240 alleles (0.000062%); highest among the groups gnomAD compares: Non-Finnish European, 0.000085%; no homozygotes.

Submissions (2):

Labcorp Genetics (formerly Invitae), Labcorp
Classification: Likely pathogenic for Hypertrophic cardiomyopathy. Last evaluated: 2024-11-30. Review status: criteria provided, single submitter. Criteria: Invitae Variant Classification Sherloc (09022015). Collection method: clinical testing. Allele origin: germline.
Comment: This sequence change replaces cysteine, which is neutral and slightly polar, with phenylalanine, which is neutral and non-polar, at codon 905 of the MYH7 protein (p.Cys905Phe). This variant is not present in population databases (gnomAD no frequency). This missense change has been observed in individual(s) with hypertrophic cardiomyopathy (PMID: 12974739; internal data). ClinVar contains an entry for this variant (Variation ID: 1397360). Invitae Evidence Modeling of protein sequence and biophysical properties (such as structural, functional, and spatial information, amino acid conservation, physicochemical variation, residue mobility, and thermodynamic stability) indicates that this missense variant is expected to disrupt MYH7 protein function with a positive predictive value of 95%. This variant disrupts the p.Cys905 amino acid residue in MYH7. Other variant(s) that disrupt this residue have been determined to be pathogenic (PMID: 22859017, 25132132; internal data). This suggests that this residue is clinically significant, and that variants that disrupt this residue are likely to be disease-causing. In summary, the currently available evidence indicates that the variant is pathogenic, but additional data are needed to prove that conclusively. Therefore, this variant has been classified as Likely Pathogenic.

Color Diagnostics, LLC DBA Color Health
Classification: Uncertain significance for Cardiomyopathy. Last evaluated: 2022-01-03. Review status: criteria provided, single submitter. Criteria: ACMG Guidelines, 2015. Collection method: clinical testing. Allele origin: germline.
Comment: This missense variant replaces cysteine with phenylalanine at codon 905 of the MYH7 protein. This variant is found within a highly conserved region of the myosin head domain. Missense variants in this region have been shown to be significantly overrepresented in individuals with hypertrophic cardiomyopathy (PMID: 27532257). Computational prediction suggests that this variant may have deleterious impact on protein structure and function (internally defined REVEL score threshold >= 0.7, PMID: 27666373). To our knowledge, functional studies have not been reported for this variant. This variant has been reported in an individual affected with hypertrophic cardiomyopathy, who also carried a likely pathogenic variant in the TNNI3 gene that could explain the observed phenotype (PMID: 12974739). This variant has not been identified in the general population by the Genome Aggregation Database (gnomAD). The available evidence is insufficient to determine the role of this variant in disease conclusively. Therefore, this variant is classified as a Variant of Uncertain Significance.

Literature cited by the submitters: PubMed 12974739 (cited by Labcorp Genetics (formerly Invitae), Labcorp and Color Diagnostics, LLC DBA Color Health); PubMed 22859017 (cited by Labcorp Genetics (formerly Invitae), Labcorp); PubMed 25132132 (cited by Labcorp Genetics (formerly Invitae), Labcorp); PubMed 27532257 (cited by Color Diagnostics, LLC DBA Color Health).